The following is an entry in ClinVar:

ClinVar aggregate classification (germline): Likely pathogenic (1 of 4 stars; one submission).

Submission:

GeneDx
Classification: Likely pathogenic. Last evaluated: 2018-04-26. Review status: criteria provided, single submitter. Criteria: GeneDx Variant Classification (06012015). Collection method: clinical testing. Allele origin: germline. Affected: yes.
Comment: The c.682_688delAAGACTGins12 variant in the ACAD9 gene has not been reported previously as a pathogenic variant nor as a benign variant, to our knowledge. The c.682_688delAAGACTGins12 variant causes a frameshift starting with codon Lysine 228, changes this amino acid to a Glutamine residue, and creates a premature Stop codon at position 2 of the new reading frame, denoted p.Lys228GlnfsX2. This variant is predicted to cause loss of normal protein function either through protein truncation or nonsense-mediated mRNA decay. The c.682_688delAAGACTGins12 variant is not observed in large population cohorts (Lek et al., 2016). We interpret c.682_688delAAGACTGins12 as a likely pathogenic variant.

NM_014049.5(ACAD9):c.682_688delinsCAGTAAAACATC (p.Lys228_Glu230delinsGlnTer)

Gene: ACAD9 (acyl-CoA dehydrogenase family member 9; plus strand). Cytogenetic location: 3q21.3.
Variant type: Indel.
Coding change: c.682_688delinsCAGTAAAACATC on transcript NM_014049.5 (MANE Select); coding-DNA positions 682 to 688, AAGACTG replaced by CAGTAAAACATC.
Protein change: p.Lys228_Glu230delinsGlnTer.
Molecular consequence: nonsense. On other transcripts: non-coding transcript variant (1).
Genome position (GRCh38, 1-based): chr3:128,899,335-128,899,341, AAGACTG replaced by CAGTAAAACATC. VCF-style: chr3-128899335-AAGACTG-CAGTAAAACATC. GRCh37 (hg19) VCF-style: chr3-128618178-AAGACTG-CAGTAAAACATC.
Identifiers: ClinVar variation 524153 (VCV000524153.2), dbSNP rs1553730947, ClinGen allele CA658796369.